The following is an entry in ClinVar:

NM_030773.4(TUBB1):c.534T>G (p.Thr178=)

Gene: TUBB1 (tubulin beta 1 class VI; plus strand). Cytogenetic location: 20q13.32.
Variant type: single nucleotide variant.
Coding change: c.534T>G on transcript NM_030773.4 (MANE Select); coding-DNA position 534, T replaced by G.
Protein change: p.Thr178=; no amino-acid change (threonine 178 retained).
Molecular consequence: synonymous variant.
Genome position (GRCh38, 1-based): chr20:59,023,961, T>G. VCF-style: chr20-59023961-T-G. GRCh37 (hg19) VCF-style: chr20-57599016-T-G.
Other names: p.Thr178=.
Identifiers: ClinVar variation 1179853 (VCV001179853.11), dbSNP rs163777, ClinGen allele CA9928526.
Genomic context (GRCh38, chr20:59,023,961, plus strand): 5'-GTACCCGGACCGGATCATGAATTCCTTCAGCGTCATGCCTTCTCCCAAGGTGTCGGACAC[T>G]GTGGTGGAGCCCTACAACGCGGTTCTGTCTATCCACCAGCTGATTGAGAATGCAGATGCC-3'
Protein context (NP_110400.1, residues 168-188): SVMPSPKVSD[Thr178=]VVEPYNAVLS

ClinVar aggregate classification (germline): Benign/Likely benign. Review status: criteria provided, multiple submitters, no conflicts (2 of 4 stars). 7 submissions from 7 submitters: Benign (3); Likely benign (2). 2 of the submissions do not count toward it. Last evaluated 2026-02-04.

Allele frequency attached by ClinVar (database versions not stated): ESP Exome Variant Server 0.99823; TOPMed 0.99845; 1000 Genomes Project 0.99900; 1000 Genomes Project 30x 0.99922.
gnomAD v4.1: 1,609,711 of 1,614,186 alleles (100%); highest among the groups gnomAD compares: Middle Eastern, 100%; 802,629 homozygotes.

Submissions (7):

Labcorp Genetics (formerly Invitae), Labcorp
Classification: Benign. Last evaluated: 2026-02-04. Review status: criteria provided, single submitter. Criteria: Invitae Variant Classification Sherloc (09022015). Collection method: clinical testing. Allele origin: germline.

Mayo Clinic Laboratories, Mayo Clinic
Classification: Likely benign. Last evaluated: 2025-08-11. Review status: criteria provided, single submitter. Criteria: ACMG Guidelines, 2015. Collection method: clinical testing. Allele origin: germline. Observed: 705 variant alleles.
Comment: BP4, BP7

Blueprint Genetics
Classification: Likely benign. Last evaluated: 2024-11-28. Review status: criteria provided, single submitter. Criteria: ACMG Guidelines, 2015. Collection method: clinical testing. Allele origin: germline.

GeneDx
Classification: Benign. Last evaluated: 2020-07-27. Review status: criteria provided, single submitter. Criteria: GeneDx Variant Classification Process June 2021. Collection method: clinical testing. Allele origin: germline. Affected: yes.

Breakthrough Genomics
Classification: Benign. Review status: criteria provided, single submitter. Criteria: ACMG Guidelines, 2015. Collection method: not provided. Allele origin: germline. Inheritance: Autosomal dominant inheritance. Affected: yes.

Clinical Genetics, Academic Medical Center
Classification: Benign. Review status: no assertion criteria provided. Collection method: clinical testing. Allele origin: germline. Affected: yes. Study: VKGL Data-share Consensus. Not counted in ClinVar's aggregate classification.

Diagnostic Laboratory, Department of Genetics, University Medical Center Groningen
Classification: Benign. Review status: no assertion criteria provided. Collection method: clinical testing. Allele origin: germline. Affected: yes. Study: VKGL Data-share Consensus. Not counted in ClinVar's aggregate classification.